The following is an entry in ClinVar:

ClinVar aggregate classification (germline): Uncertain significance (1 of 4 stars; one submission).

Conditions:
Kabuki syndrome. Also called: Kabuki make-up syndrome; NIIKAWA-KUROKI SYNDROME. Identifiers: Orphanet 2322, MedGen C0796004, MONDO:0016512.

Submission:

Labcorp Genetics (formerly Invitae), Labcorp
Classification: Uncertain significance for Kabuki syndrome. Last evaluated: 2024-12-05. Review status: criteria provided, single submitter. Criteria: Invitae Variant Classification Sherloc (09022015). Collection method: clinical testing. Allele origin: germline.
Comment: This variant, c.10800_10802dup, results in the insertion of 1 amino acid(s) of the KMT2D protein (p.Gln3612dup), but otherwise preserves the integrity of the reading frame. The frequency data for this variant in the population databases is considered unreliable, as metrics indicate poor data quality at this position in the gnomAD database. This variant has been observed in individual(s) with Kabuki syndrome (PMID: 28884922). This variant is also known as p.Gln3609dup. Experimental studies and prediction algorithms are not available or were not evaluated, and the functional significance of this variant is currently unknown. In summary, the available evidence is currently insufficient to determine the role of this variant in disease. Therefore, it has been classified as a Variant of Uncertain Significance.

Literature cited by the submitters: PubMed 28884922.

NM_003482.4(KMT2D):c.10794GCA[4] (p.Gln3612_His3613insGln)

Gene: KMT2D (lysine methyltransferase 2D; minus strand). Cytogenetic location: 12q13.12.
Variant type: Microsatellite.
Coding change: c.10794GCA[4] on transcript NM_003482.4 (MANE Select); four copies in a row of the 3-base unit GCA starting at c.10794; the reference has three copies in a row; one copy, 3 bases duplicated.
Protein change: p.Gln3612_His3613insGln.
Genome position (GRCh38, 1-based): chr12:49,033,903-49,033,905, TGC duplicated on the plus strand (GCA on the coding strand, the reverse complement: KMT2D is on the minus strand); duplicating any 3 consecutive bases within chr12:49,033,903-49,033,912 gives the same sequence; the position shown is the placement nearest the transcript's 3' end. VCF-style (leftmost placement, unchanged base first): chr12-49033902-T-TTGC. GRCh37 (hg19) VCF-style: chr12-49427685-T-TTGC.
Identifiers: ClinVar variation 3702298 (VCV003702298.2).
Genomic context (GRCh38, chr12:49,033,902, plus strand): 5'-AGGGCTGAGAGCCAGCACAGCTGAGTGCTGTTGCTGTTGTTGCTGCTGCTGCTGCTGTTG[T>TTGC]TGCTGCTGCTTGTTCCGATATTCTGCCATGAGATTAGTGTGCTCCTTCTGCTGTTTCCGG-3'